The following is an entry in ClinVar:

ClinVar aggregate classification (germline): Uncertain significance (1 of 4 stars; one submission).

Allele frequency attached by ClinVar (database versions not stated): gnomAD 0.00001; TOPMed 0.00002; gnomAD exomes 0.00003; ExAC 0.00004.
gnomAD v4.1: 40 of 1,604,838 alleles (0.0025%); highest among the groups gnomAD compares: East Asian, 0.0089%; no homozygotes.

Submission:

Labcorp Genetics (formerly Invitae), Labcorp
Classification: Uncertain significance. Last evaluated: 2025-04-14. Review status: criteria provided, single submitter. Criteria: Invitae Variant Classification Sherloc (09022015). Collection method: clinical testing. Allele origin: germline.
Comment: This sequence change replaces arginine, which is basic and polar, with cysteine, which is neutral and slightly polar, at codon 424 of the CEP89 protein (p.Arg424Cys). This variant is present in population databases (rs778046770, gnomAD 0.02%). This variant has not been reported in the literature in individuals affected with CEP89-related conditions. ClinVar contains an entry for this variant (Variation ID: 1345279). An algorithm developed to predict the effect of missense changes on protein structure and function outputs the following: PolyPhen-2: "Benign". The cysteine amino acid residue is found in multiple mammalian species, which suggests that this missense change does not adversely affect protein function. In summary, the available evidence is currently insufficient to determine the role of this variant in disease. Therefore, it has been classified as a Variant of Uncertain Significance.

NM_032816.5(CEP89):c.1270C>T (p.Arg424Cys)

Gene: CEP89 (centrosomal protein 89; minus strand). Cytogenetic location: 19q13.11.
Variant type: single nucleotide variant.
Coding change: c.1270C>T on transcript NM_032816.5 (MANE Select); coding-DNA position 1270, C replaced by T.
Protein change: p.Arg424Cys; replaces arginine 424 with cysteine.
Molecular consequence: missense variant.
Genome position (GRCh38, 1-based): chr19:32,918,338, G>A on the plus strand (C>T on the coding strand, the complement: CEP89 is on the minus strand). VCF-style: chr19-32918338-G-A. GRCh37 (hg19) VCF-style: chr19-33409244-G-A.
Other names: short protein forms R424C.
Identifiers: ClinVar variation 1345279 (VCV001345279.8), dbSNP rs778046770, ClinGen allele CA9359337.